The following is an entry in ClinVar:

NM_000179.3(MSH6):c.3726T>C (p.Arg1242=)

Gene: MSH6 (mutS homolog 6; plus strand). Cytogenetic location: 2p16.3.
Variant type: single nucleotide variant.
Coding change: c.3726T>C on transcript NM_000179.3 (MANE Select); coding-DNA position 3726, T replaced by C.
Protein change: p.Arg1242=; no amino-acid change (arginine 1242 retained).
Molecular consequence: synonymous variant. On other transcripts: non-coding transcript variant (5).
Genome position (GRCh38, 1-based): chr2:47,806,283, T>C. VCF-style: chr2-47806283-T-C. GRCh37 (hg19) VCF-style: chr2-48033422-T-C.
Other names: c.3336T>C, p.Arg1112= (NM_001281492.2); c.2820T>C, p.Arg940= (NM_001281493.2, NM_001281494.2, NM_001406811.1 and 6 more transcripts); c.3822T>C, p.Arg1274= (NM_001406795.1, NM_001406802.1); c.3726T>C, p.Arg1242= (NM_001406796.1, NM_001406800.1, NM_001406808.1 and 1 more transcripts); c.3429T>C, p.Arg1143= (NM_001406797.1, NM_001406801.1, NM_001406805.1 and 10 more transcripts); c.3552T>C, p.Arg1184= (NM_001406798.1); c.3201T>C, p.Arg1067= (NM_001406799.1, NM_001406806.1, NM_001406807.1); c.2862T>C, p.Arg954= (NM_001406803.1); and 7 more.
Identifiers: ClinVar variation 1734336 (VCV001734336.3), dbSNP rs2104542007, ClinGen allele CA425998052.

ClinVar aggregate classification (germline): Benign/Likely benign. Review status: criteria provided, multiple submitters, no conflicts (2 of 4 stars). 2 submissions from 2 submitters: Benign (1); Likely benign (1). Last evaluated 2025-01-08.

Conditions:
Hereditary cancer-predisposing syndrome. Also called: Neoplastic Syndromes, Hereditary; Tumor predisposition; Hereditary Cancer Syndrome; Hereditary neoplastic syndrome. Identifiers: Orphanet 140162, MedGen C0027672, MeSH D009386, MONDO:0015356.
Lynch syndrome 5 (LYNCH5). Also called: Colorectal cancer, hereditary nonpolyposis, type 5; Hereditary non-polyposis colorectal cancer, type 5. Identifiers: Orphanet 144, MedGen C1833477, MONDO:0013710, OMIM 614350. Disease mechanism: loss of function.

Submissions (2):

Myriad Genetics, Inc.
Classification: Benign for Lynch syndrome 5. Last evaluated: 2025-01-08. Review status: criteria provided, single submitter. Criteria: Myriad Autosomal Dominant, Autosomal Recessive and X-Linked Classification Criteria (2023). Collection method: clinical testing. Allele origin: unknown.
Comment: This variant is considered benign. This variant is a silent/synonymous amino acid change and it is not expected to impact splicing.

Ambry Genetics
Classification: Likely benign for Hereditary cancer-predisposing syndrome. Last evaluated: 2018-03-08. Review status: criteria provided, single submitter. Criteria: Ambry Variant Classification Scheme 2023. Collection method: clinical testing. Allele origin: germline.